The following is an entry in ClinVar:

NM_000939.4(POMC):c.648G>A (p.Lys216=)

Gene: POMC (proopiomelanocortin; minus strand). Cytogenetic location: 2p23.3.
Variant type: single nucleotide variant.
Coding change: c.648G>A on transcript NM_000939.4 (MANE Select); coding-DNA position 648, G replaced by A.
Protein change: p.Lys216=; no amino-acid change (lysine 216 retained).
Molecular consequence: synonymous variant.
Genome position (GRCh38, 1-based): chr2:25,161,237, C>T on the plus strand (G>A on the coding strand, the complement: POMC is on the minus strand). VCF-style: chr2-25161237-C-T. GRCh37 (hg19) VCF-style: chr2-25384106-C-T.
Other names: c.648G>A, p.Lys216= (NM_001035256.3, NM_001319204.2, NM_001319205.2).
Identifiers: ClinVar variation 4993945 (VCV004993945.1).

ClinVar aggregate classification (germline): Likely benign (1 of 4 stars; one submission).

Conditions:
POMC-related disorder. Also called: POMC-related condition; POMC-related disorders.

gnomAD v4.1: 1 of 1,612,782 alleles (0.000062%); highest among the groups gnomAD compares: Admixed American, 0.0017%; no homozygotes.

Submission:

PreventionGenetics, part of Exact Sciences
Classification: Likely benign for POMC-related condition. Last evaluated: 2026-08-02. Review status: criteria provided, single submitter. Criteria: ACMG Guidelines, 2015. Collection method: clinical testing. Allele origin: germline.
Comment: This variant is classified as likely benign based on ACMG/AMP sequence variant interpretation guidelines (Richards et al. 2015 PMID: 25741868, with internal and published modifications).